The following is an entry in ClinVar:

NM_022773.4(LMF1):c.1530-1373C>G

Gene: LMF1 (lipase maturation factor 1; minus strand). Cytogenetic location: 16p13.3.
Variant type: single nucleotide variant.
Coding change: c.1530-1373C>G on transcript NM_022773.4 (MANE Select); 1373 bases into the intron before coding-DNA position 1530, C replaced by G.
Molecular consequence: intron variant.
Genome position (GRCh38, 1-based): chr16:856,079, G>C on the plus strand (C>G on the coding strand, the complement: LMF1 is on the minus strand). VCF-style: chr16-856079-G-C. GRCh37 (hg19) VCF-style: chr16-906079-G-C.
Other names: c.1203-1373C>G (NM_001352019.2); c.879-1373C>G (NM_001352017.2, NM_001352021.2); c.1131-1373C>G (NM_001352018.2); c.1450-1373C>G (NM_001352020.1).
Identifiers: ClinVar variation 1803897 (VCV001803897.1), dbSNP rs1000355362, ClinGen allele CA276559515.
Genomic context (GRCh38, chr16:856,079, plus strand): 5'-CAGAGACCCTCTGGGTGGAGGAGGGTCCCTGAGGCGCCTGATGGGAGAGAGGGATCAGCA[G>C]CTCCAAGAGGAGTGGGGTCGGGCCTTTGGAAAACCTCCCGGGCAGCCAAGACTGAGGGTG-3'

ClinVar aggregate classification (germline): Uncertain significance (1 of 4 stars; one submission).

Conditions:
Lipase deficiency, combined. Also called: LIPOPROTEIN LIPASE DEFICIENCY WITH HEPATIC TRIGLYCERIDE LIPASE DEFICIENCY; LPL AND HL DEFICIENCY; LPL AND HTGL DEFICIENCY. Identifiers: Orphanet 535453, MedGen C1855498, MONDO:0009527, OMIM 246650.

Allele frequency attached by ClinVar (database versions not stated): gnomAD exomes 0.00002; TOPMed 0.00020; gnomAD 0.00025.
gnomAD v4.1: 42 of 405,388 alleles (0.01%); highest among the groups gnomAD compares: African/African-American, 0.081%; no homozygotes.

Submission:

New York Genome Center
Classification: Uncertain significance for Lipase deficiency, combined. Last evaluated: 2021-12-29. Review status: criteria provided, single submitter. Criteria: NYGC Assertion Criteria 2020. Collection method: clinical testing. Allele origin: germline. Observed: 1 variant allele.
Comment: The c.1530-1373C>G deep intronic variant identified in intron 10 (of 10) of the LMF1 gene has not been reported in affected individualsin the literature. The variant has 0.0002432 allele frequency in the gnomAD(v3) database (37 out of 152146 heterozygous alleles, no homozygotes) suggesting it is not a common benign variant in the populations represented in that database. The variant affects an evolutionarily conserved nucleotide in intron 10 of the LMF1 gene. In silico tools provide conflicting predictions about potential splicing effects of this variant (Splice AI score =0.04 and 0.03; TRAP score = 0.319). Based on the available evidence, the c.1530-1373C>G deep intronic variant identified in the LMF1 gene is reported as a variant of uncertain significance.